The following is an entry in ClinVar:

ClinVar aggregate classification (germline): Uncertain significance (1 of 4 stars; one submission).

Conditions:
C1R-related disorder. Also called: C1R-related condition.

Submission:

PreventionGenetics, part of Exact Sciences
Classification: Uncertain significance for C1R-related condition. Last evaluated: 2026-02-18. Review status: criteria provided, single submitter. Criteria: ACMG Guidelines, 2015. Collection method: clinical testing. Allele origin: germline.
Comment: The C1R c.498C>G variant is predicted to result in the amino acid substitution p.His166Gln. To our knowledge, this variant has not been reported in the literature. This variant is reported in 0.0029% of alleles in individuals of Latino descent in gnomAD. At this time, the clinical significance of this variant is uncertain due to the absence of conclusive functional and genetic evidence.

NM_001733.7(C1R):c.498C>G (p.His166Gln)

Gene: C1R (complement C1r; minus strand). Cytogenetic location: 12p13.31.
Variant type: single nucleotide variant.
Coding change: c.498C>G on transcript NM_001733.7 (MANE Select); coding-DNA position 498, C replaced by G.
Protein change: p.His166Gln; replaces histidine 166 with glutamine.
Molecular consequence: missense variant.
Genome position (GRCh38, 1-based): chr12:7,089,660, G>C on the plus strand (C>G on the coding strand, the complement: C1R is on the minus strand). VCF-style: chr12-7089660-G-C. GRCh37 (hg19) VCF-style: chr12-7242256-G-C.
Other names: c.540C>G, p.His180Gln (NM_001354346.2); short protein forms H180Q, H166Q.
Identifiers: ClinVar variation 4990554 (VCV004990554.1).